The following is an entry in ClinVar:

NM_000350.3(ABCA4):c.873G>T (p.Pro291=)

Gene: ABCA4 (ATP binding cassette subfamily A member 4; minus strand). Cytogenetic location: 1p22.1.
Variant type: single nucleotide variant.
Coding change: c.873G>T on transcript NM_000350.3 (MANE Select); coding-DNA position 873, G replaced by T.
Protein change: p.Pro291=; no amino-acid change (proline 291 retained).
Molecular consequence: synonymous variant.
Genome position (GRCh38, 1-based): chr1:94,080,704, C>A on the plus strand (G>T on the coding strand, the complement: ABCA4 is on the minus strand). VCF-style: chr1-94080704-C-A. GRCh37 (hg19) VCF-style: chr1-94546260-C-A.
Other names: c.873G>T, p.Pro291= (NM_001425324.1).
Identifiers: ClinVar variation 3003221 (VCV003003221.24), dbSNP rs61753054, ClinGen allele CA418826961.
Genomic context (GRCh38, chr1:94,080,704, plus strand): 5'-GGTCTCTGGACCACCATTCTGCATGAGGGGCCTGGTCACCCACAGCAAGTCCTGCATACT[C>A]GGCCGATGGATAAACTAGGGCAAGGCAAAGTCTTCAGGTTATTTTAAGGCAGCTAGAGTC-3'
Protein context (NP_000341.2, residues 281-301): SPRIQEFIHR[Pro291=]SMQDLLWVTR

ClinVar aggregate classification (germline): Likely benign. Review status: criteria provided, multiple submitters, no conflicts (2 of 4 stars). 2 submissions from 2 submitters: Likely benign (2). Last evaluated 2024-03-01.

gnomAD v4.1: 1 of 1,614,106 alleles (0.000062%); highest among the groups gnomAD compares: Non-Finnish European, 0.000085%; no homozygotes.

Submissions (2):

CeGaT Center for Human Genetics Tuebingen
Classification: Likely benign. Last evaluated: 2024-03-01. Review status: criteria provided, single submitter. Criteria: CeGaT Center For Human Genetics Tuebingen Variant Classification Criteria Version 2. Collection method: clinical testing. Allele origin: germline. Affected: yes. Observed: 1 variant allele.
Comment: ABCA4: PM2:Supporting, BP4, BP7

Labcorp Genetics (formerly Invitae), Labcorp
Classification: Likely benign. Last evaluated: 2023-05-16. Review status: criteria provided, single submitter. Criteria: Invitae Variant Classification Sherloc (09022015). Collection method: clinical testing. Allele origin: germline.